The following is an entry in ClinVar:

ClinVar aggregate classification (germline): Benign. Review status: criteria provided, multiple submitters, no conflicts (2 of 4 stars). 4 submissions from 4 submitters: Benign (3). 1 of the submissions does not count toward it. Last evaluated 2026-01-28.

Conditions:
UQCC3-related disorder. Also called: UQCC3-related condition.

Allele frequency attached by ClinVar (database versions not stated): 1000 Genomes Project 30x 0.00390; 1000 Genomes Project 0.00419; gnomAD 0.01388 and 0.01515; TOPMed 0.01442; ExAC 0.01576; ESP Exome Variant Server 0.01636.
gnomAD v4.1: 31,510 of 1,598,758 alleles (2%); highest among the groups gnomAD compares: Non-Finnish European, 2.4%; 357 homozygotes.

Submissions (4):

Labcorp Genetics (formerly Invitae), Labcorp
Classification: Benign. Last evaluated: 2026-01-28. Review status: criteria provided, single submitter. Criteria: Invitae Variant Classification Sherloc (09022015). Collection method: clinical testing. Allele origin: germline.

GeneDx
Classification: Benign. Last evaluated: 2016-08-09. Review status: criteria provided, single submitter. Criteria: GeneDx Variant Classification (06012015). Collection method: clinical testing. Allele origin: germline. Affected: yes.
Comment: This variant is considered likely benign or benign based on one or more of the following criteria: it is a conservative change, it occurs at a poorly conserved position in the protein, it is predicted to be benign by multiple in silico algorithms, and/or has population frequency not consistent with disease.

Breakthrough Genomics
Classification: Benign. Review status: criteria provided, single submitter. Criteria: ACMG Guidelines, 2015. Collection method: not provided. Allele origin: germline. Inheritance: Autosomal recessive inheritance. Affected: yes.

PreventionGenetics, part of Exact Sciences
Classification: Benign for UQCC3-related condition. Last evaluated: 2019-03-04. Review status: no assertion criteria provided. Collection method: clinical testing. Allele origin: germline. Not counted in ClinVar's aggregate classification.
Comment: This variant is classified as benign based on ACMG/AMP sequence variant interpretation guidelines (Richards et al. 2015 PMID: 25741868, with internal and published modifications).

NM_001085372.3(UQCC3):c.250G>C (p.Gly84Arg)

Genes: UQCC3 (ubiquinol-cytochrome c reductase complex assembly factor 3; plus strand), LBHD1 (LBH domain containing 1; minus strand). Cytogenetic location: 11q12.3.
Variant type: single nucleotide variant.
Coding change: c.250G>C on transcript NM_001085372.3 (MANE Select); coding-DNA position 250, G replaced by C.
Protein change: p.Gly84Arg; replaces glycine 84 with arginine.
Molecular consequence: missense variant.
Genome position (GRCh38, 1-based): chr11:62,672,082, G>C. VCF-style: chr11-62672082-G-C. GRCh37 (hg19) VCF-style: chr11-62439554-G-C.
Other names: short protein forms G84R.
Identifiers: ClinVar variation 380190 (VCV000380190.12), dbSNP rs55638384, ClinGen allele CA6052601.